The following is an entry in ClinVar:

ClinVar aggregate classification (germline): Uncertain significance. Review status: criteria provided, multiple submitters, no conflicts (2 of 4 stars). 2 submissions from 2 submitters: Uncertain significance (2). Last evaluated 2023-04-13.

Conditions:
Nephronophthisis 15 (NPHP15). Identifiers: Orphanet 3156, MedGen C3541853, MONDO:0013917, OMIM 614845.

Allele frequency attached by ClinVar (database versions not stated): gnomAD exomes below 0.00001; TOPMed below 0.00001; gnomAD 0.00001.
gnomAD v4.1: 3 of 1,613,994 alleles (0.00019%); highest among the groups gnomAD compares: Non-Finnish European, 0.00025%; no homozygotes.

Submissions (2):

Blueprint Genetics
Classification: Uncertain significance. Last evaluated: 2023-04-13. Review status: criteria provided, single submitter. Criteria: ACMG Guidelines, 2015. Collection method: clinical testing. Allele origin: germline.

Labcorp Genetics (formerly Invitae), Labcorp
Classification: Uncertain significance for Nephronophthisis 15. Last evaluated: 2022-08-16. Review status: criteria provided, single submitter. Criteria: Invitae Variant Classification Sherloc (09022015). Collection method: clinical testing. Allele origin: germline.
Comment: This variant is not present in population databases (gnomAD no frequency). In summary, the available evidence is currently insufficient to determine the role of this variant in disease. Therefore, it has been classified as a Variant of Uncertain Significance. Algorithms developed to predict the effect of missense changes on protein structure and function are either unavailable or do not agree on the potential impact of this missense change (SIFT: "Deleterious"; PolyPhen-2: "Probably Damaging"; Align-GVGD: "Class C15"). ClinVar contains an entry for this variant (Variation ID: 958774). This variant has not been reported in the literature in individuals affected with CEP164-related conditions. This sequence change replaces lysine, which is basic and polar, with glutamic acid, which is acidic and polar, at codon 1216 of the CEP164 protein (p.Lys1216Glu).

NM_014956.5(CEP164):c.3646A>G (p.Lys1216Glu)

Gene: CEP164 (centrosomal protein 164; plus strand). Cytogenetic location: 11q23.3.
Variant type: single nucleotide variant.
Coding change: c.3646A>G on transcript NM_014956.5 (MANE Select); coding-DNA position 3646, A replaced by G.
Protein change: p.Lys1216Glu; replaces lysine 1216 with glutamic acid.
Molecular consequence: missense variant.
Genome position (GRCh38, 1-based): chr11:117,408,926, A>G. VCF-style: chr11-117408926-A-G. GRCh37 (hg19) VCF-style: chr11-117279642-A-G.
Other names: c.3655A>G, p.Lys1219Glu (NM_001271933.2); short protein forms K1219E, K1216E.
Identifiers: ClinVar variation 958774 (VCV000958774.8), dbSNP rs1431305580, ClinGen allele CA382741990.